The following is an entry in ClinVar:

ClinVar aggregate classification (germline): Likely benign (0 of 4 stars; one submission).

Conditions:
PLPP6-related disorder. Also called: PLPP6-related condition.

Allele frequency attached by ClinVar (database versions not stated): gnomAD exomes 0.00011; ExAC 0.00037; ESP Exome Variant Server 0.00077; 1000 Genomes Project 0.00080; gnomAD 0.00112; TOPMed 0.00132; 1000 Genomes Project 30x 0.00156.
gnomAD v4.1: 339 of 1,614,108 alleles (0.021%); highest among the groups gnomAD compares: African/African-American, 0.39%; no homozygotes.

Submission:

PreventionGenetics, part of Exact Sciences
Classification: Likely benign for PLPP6-related condition. Last evaluated: 2020-01-24. Review status: no assertion criteria provided. Collection method: clinical testing. Allele origin: germline.
Comment: This variant is classified as likely benign based on ACMG/AMP sequence variant interpretation guidelines (Richards et al. 2015 PMID: 25741868, with internal and published modifications).

NM_203453.5(PLPP6):c.762G>A (p.Gly254=)

Genes: PLPP6 (phospholipid phosphatase 6; plus strand), SPATA6L (spermatogenesis associated 6 like; minus strand). Cytogenetic location: 9p24.1.
Variant type: single nucleotide variant.
Coding change: c.762G>A on transcript NM_203453.5 (MANE Select); coding-DNA position 762, G replaced by A.
Protein change: p.Gly254=; no amino-acid change (glycine 254 retained).
Molecular consequence: synonymous variant. On other transcripts: intron variant (6).
Genome position (GRCh38, 1-based): chr9:4,663,137, G>A. VCF-style: chr9-4663137-G-A. GRCh37 (hg19) VCF-style: chr9-4663137-G-A.
Other names: c.40-1101C>T (NM_001039395.4, NM_001353484.2, NM_001353486.2 and 2 more transcripts); c.-606-1101C>T (NM_001353491.2).
Identifiers: ClinVar variation 3046287 (VCV003046287.2), dbSNP rs150312936, ClinGen allele CA4970179.